The following is an entry in ClinVar:

NM_001287491.2(TET3):c.1736A>G (p.Lys579Arg)

Gene: TET3 (tet methylcytosine dioxygenase 3; plus strand). Cytogenetic location: 2p13.1.
Variant type: single nucleotide variant.
Coding change: c.1736A>G on transcript NM_001287491.2 (MANE Select); coding-DNA position 1736, A replaced by G.
Protein change: p.Lys579Arg; replaces lysine 579 with arginine.
Molecular consequence: missense variant.
Genome position (GRCh38, 1-based): chr2:74,047,653, A>G. VCF-style: chr2-74047653-A-G. GRCh37 (hg19) VCF-style: chr2-74274780-A-G.
Other names: c.1457A>G, p.Lys486Arg (NM_001366022.1); c.1331A>G, p.Lys444Arg (NM_144993.1); short protein forms K444R, K486R, K579R.
Identifiers: ClinVar variation 2504823 (VCV002504823.1), dbSNP rs2467439646, ClinGen allele CA347328663.
Genomic context (GRCh38, chr2:74,047,653, plus strand): 5'-GGTGGCCCCCACCAAGTTCACCTGTCCCACGGCTTCCAGACAGACCACCCAAGGAGAAGA[A>G]GAAGAAGCTCCCAACACCAGCTGGAGGTCCCGTGGGAACGGAGAAAGCTGCCCCTGGGAT-3'
Protein context (NP_001274420.1, residues 569-589): RLPDRPPKEK[Lys579Arg]KKLPTPAGGP

ClinVar aggregate classification (germline): Uncertain significance (1 of 4 stars; one submission).

Submission:

GeneDx
Classification: Uncertain significance. Last evaluated: 2022-12-08. Review status: criteria provided, single submitter. Criteria: GeneDx Variant Classification Process June 2021. Collection method: clinical testing. Allele origin: germline. Affected: yes.
Comment: Not observed at significant frequency in large population cohorts (gnomAD); In silico analysis supports that this missense variant does not alter protein structure/function; Has not been previously published as pathogenic or benign to our knowledge